The following is an entry in ClinVar:

NM_001851.6(COL9A1):c.1665+13A>T

Gene: COL9A1 (collagen type IX alpha 1 chain; minus strand). Cytogenetic location: 6q13.
Variant type: single nucleotide variant.
Coding change: c.1665+13A>T on transcript NM_001851.6 (MANE Select); 13 bases into the intron after coding-DNA position 1665, A replaced by T.
Molecular consequence: intron variant.
Genome position (GRCh38, 1-based): chr6:70,254,950, T>A on the plus strand (A>T on the coding strand, the complement: COL9A1 is on the minus strand). VCF-style: chr6-70254950-T-A. GRCh37 (hg19) VCF-style: chr6-70964653-T-A.
Other names: c.936+13A>T (NM_001377290.1, NM_078485.4, NM_001377289.1).
Identifiers: ClinVar variation 682479 (VCV000682479.10), dbSNP rs748805630, ClinGen allele CA3882087.

ClinVar aggregate classification (germline): Benign/Likely benign. Review status: criteria provided, multiple submitters, no conflicts (2 of 4 stars). 4 submissions from 4 submitters: Benign (1); Likely benign (3). Last evaluated 2025-08-22.

Allele frequency attached by ClinVar (database versions not stated): gnomAD below 0.00001 and 0.00003; gnomAD exomes 0.00008.
gnomAD v4.1: 120 of 1,613,734 alleles (0.0074%); highest among the groups gnomAD compares: South Asian, 0.13%; 3 homozygotes.

Submissions (4):

Labcorp Genetics (formerly Invitae), Labcorp
Classification: Benign. Last evaluated: 2025-08-22. Review status: criteria provided, single submitter. Criteria: Invitae Variant Classification Sherloc (09022015). Collection method: clinical testing. Allele origin: germline.

Blueprint Genetics
Classification: Likely benign. Last evaluated: 2024-10-04. Review status: criteria provided, single submitter. Criteria: ACMG Guidelines, 2015. Collection method: clinical testing. Allele origin: germline.

Women's Health and Genetics/Laboratory Corporation of America, LabCorp
Classification: Likely benign. Last evaluated: 2024-07-09. Review status: criteria provided, single submitter. Criteria: LabCorp Variant Classification Summary - May 2015. Collection method: clinical testing. Allele origin: germline.

GeneDx
Classification: Likely benign. Last evaluated: 2018-04-30. Review status: criteria provided, single submitter. Criteria: GeneDx Variant Classification (06012015). Collection method: clinical testing. Allele origin: germline. Affected: yes.
Comment: This variant is considered likely benign or benign based on one or more of the following criteria: it is a conservative change, it occurs at a poorly conserved position in the protein, it is predicted to be benign by multiple in silico algorithms, and/or has population frequency not consistent with disease.